The following is an entry in ClinVar:

NM_000548.5(TSC2):c.3201C>T (p.Val1067=)

Gene: TSC2 (TSC complex subunit 2; plus strand). Cytogenetic location: 16p13.3.
Variant type: single nucleotide variant.
Coding change: c.3201C>T on transcript NM_000548.5 (MANE Select); coding-DNA position 3201, C replaced by T.
Protein change: p.Val1067=; no amino-acid change (valine 1067 retained).
Molecular consequence: synonymous variant. On other transcripts: non-coding transcript variant (5).
Genome position (GRCh38, 1-based): chr16:2,079,345, C>T. VCF-style: chr16-2079345-C-T. GRCh37 (hg19) VCF-style: chr16-2129346-C-T.
Other names: c.3069C>T, p.Val1023= (NM_001077183.3, NM_001370404.1, NM_001406665.1); c.3201C>T, p.Val1067= (NM_001114382.3); c.2961C>T, p.Val987= (NM_001318827.2); c.2925C>T, p.Val975= (NM_001318829.2); c.2469C>T, p.Val823= (NM_001318831.2, NM_001406687.1, NM_001406688.1); c.3102C>T, p.Val1034= (NM_001318832.2); c.3072C>T, p.Val1024= (NM_001363528.2, NM_001370405.1, NM_021055.3); c.3198C>T, p.Val1066= (NM_001406663.1, NM_001406664.1); and 18 more.
Identifiers: ClinVar variation 2909793 (VCV002909793.4), dbSNP rs781532053, ClinGen allele CA493042901.
Genomic context (GRCh38, chr16:2,079,345, plus strand): 5'-GGGCGAGTTCCTCCTAGCGGGTGGCAGGACCAAAACCTGGCTGGTTGGGAACAAGCTTGT[C>T]ACTGTGACGACAAGCGTGGGAACCGGGACCCGGTCGTTACTAGGCCTGGACTCGGGGGAG-3'
Protein context (NP_000539.2, residues 1057-1077): TKTWLVGNKL[Val1067=]TVTTSVGTGT

ClinVar aggregate classification (germline): Benign/Likely benign. Review status: criteria provided, multiple submitters, no conflicts (2 of 4 stars). 2 submissions from 2 submitters: Benign (1); Likely benign (1). Last evaluated 2025-05-28.

Conditions:
Tuberous sclerosis 2 (TSC2). Identifiers: Orphanet 805, MedGen C1860707, MONDO:0013199, OMIM 613254.

gnomAD v4.1: 1 of 1,613,002 alleles (0.000062%); highest among the groups gnomAD compares: Non-Finnish European, 0.000085%; no homozygotes.

Submissions (2):

Myriad Genetics, Inc.
Classification: Benign for Tuberous sclerosis 2. Last evaluated: 2025-05-28. Review status: criteria provided, single submitter. Criteria: Myriad Autosomal Dominant, Autosomal Recessive and X-Linked Classification Criteria (2023). Collection method: clinical testing. Allele origin: unknown.
Comment: This variant is considered benign. This variant is a silent/synonymous amino acid change and it is not expected to impact splicing.

Labcorp Genetics (formerly Invitae), Labcorp
Classification: Likely benign for Tuberous sclerosis 2. Last evaluated: 2023-07-02. Review status: criteria provided, single submitter. Criteria: Invitae Variant Classification Sherloc (09022015). Collection method: clinical testing. Allele origin: germline.